The following is an entry in ClinVar:

ClinVar aggregate classification (germline): Uncertain significance. Review status: criteria provided, multiple submitters, no conflicts (2 of 4 stars). 4 submissions from 4 submitters: Uncertain significance (4). Last evaluated 2025-07-30.

Conditions:
Familial cancer of breast. Also called: BREAST CANCER, FAMILIAL; hereditary breast carcinoma; Hereditary breast cancer. Identifiers: Orphanet 227535, MedGen C0346153, MONDO:0016419, OMIM 114480. Disease mechanism: loss of function.
Hereditary cancer-predisposing syndrome. Also called: Neoplastic Syndromes, Hereditary; Tumor predisposition; Hereditary Cancer Syndrome; Hereditary neoplastic syndrome. Identifiers: Orphanet 140162, MedGen C0027672, MeSH D009386, MONDO:0015356.

Submissions (4):

Labcorp Genetics (formerly Invitae), Labcorp
Classification: Uncertain significance for Familial cancer of breast. Last evaluated: 2025-07-30. Review status: criteria provided, single submitter. Criteria: Invitae Variant Classification Sherloc (09022015). Collection method: clinical testing. Allele origin: germline.
Comment: This sequence change replaces glutamic acid, which is acidic and polar, with leucine, which is neutral and non-polar, at codon 649 of the BARD1 protein (p.Glu649Leu). Information on the frequency of this variant in the gnomAD database is not available, as this variant may be reported differently in the database. This variant has not been reported in the literature in individuals affected with BARD1-related conditions. ClinVar contains an entry for this variant (Variation ID: 231243). An algorithm developed to predict the effect of missense changes on protein structure and function (PolyPhen-2) suggests that this variant is likely to be disruptive. In summary, the available evidence is currently insufficient to determine the role of this variant in disease. Therefore, it has been classified as a Variant of Uncertain Significance.

Ambry Genetics
Classification: Uncertain significance for Hereditary cancer-predisposing syndrome. Last evaluated: 2025-03-18. Review status: criteria provided, single submitter. Criteria: Ambry Variant Classification Scheme 2023. Collection method: clinical testing. Allele origin: germline.
Comment: The c.1945_1946delGAinsTT variant (also known as p.E649L), located in coding exon 10 of the BARD1 gene, results from an in-frame deletion of GA and insertion of TT at nucleotide positions 1945 to 1946. This results in the substitution of the glutamic acid residue for a leucine residue at codon 649, an amino acid with dissimilar properties. This amino acid position is well conserved in available vertebrate species. Based on the available evidence, the clinical significance of this variant remains unclear.

Women's Health and Genetics/Laboratory Corporation of America, LabCorp
Classification: Uncertain significance. Last evaluated: 2025-01-13. Review status: criteria provided, single submitter. Criteria: LabCorp Variant Classification Summary - May 2015. Collection method: clinical testing. Allele origin: germline.
Comment: Variant summary: BARD1 c.1945_1946delinsTT (p.Glu649Leu) results in a non-conservative amino acid change located in the BRCT domain (IPR001357) of the encoded protein sequence. Three of four in-silico tools predict a benign effect of the variant on protein function. The variant allele was found at a frequency of 4e-06 in 251388 control chromosomes. The available data on variant occurrences in the general population are insufficient to allow any conclusion about variant significance. To our knowledge, no occurrence of c.1945_1946delinsTT in individuals affected with Hereditary Breast And Ovarian Cancer Syndrome and no experimental evidence demonstrating its impact on protein function have been reported. ClinVar contains an entry for this variant (Variation ID: 231243). Based on the evidence outlined above, the variant was classified as uncertain significance.

Color Diagnostics, LLC DBA Color Health
Classification: Uncertain significance for Hereditary cancer-predisposing syndrome. Last evaluated: 2023-12-05. Review status: criteria provided, single submitter. Criteria: ACMG Guidelines, 2015. Collection method: clinical testing. Allele origin: germline.
Comment: This missense variant replaces glutamic acid with leucine at codon 649 of the BARD1 protein. To our knowledge, functional studies have not been reported for this variant. This variant has not been reported in individuals affected with hereditary cancer in the literature. This variant has not been identified in the general population by the Genome Aggregation Database (gnomAD). The available evidence is insufficient to determine the role of this variant in disease conclusively. Therefore, this variant is classified as a Variant of Uncertain Significance.

NM_000465.4(BARD1):c.1945_1946delinsTT (p.Glu649Leu)

Gene: BARD1 (BRCA1 associated RING domain 1; minus strand). Cytogenetic location: 2q35.
Variant type: Indel.
Coding change: c.1945_1946delinsTT on transcript NM_000465.4 (MANE Select); coding-DNA positions 1945 to 1946, GA replaced by TT.
Protein change: p.Glu649Leu; replaces glutamic acid 649 with leucine.
Molecular consequence: missense variant. On other transcripts: non-coding transcript variant (3).
Genome position (GRCh38, 1-based): chr2:214,730,466-214,730,467, TC replaced by AA on the plus strand (GA replaced by TT on the coding strand, the reverse complement: BARD1 is on the minus strand). VCF-style: chr2-214730466-TC-AA. GRCh37 (hg19) VCF-style: chr2-215595190-TC-AA.
Other names: c.1888_1889delinsTT, p.Glu630Leu (NM_001282543.2); c.592_593delinsTT, p.Glu198Leu (NM_001282545.2); c.535_536delinsTT, p.Glu179Leu (NM_001282548.2); c.406_407delinsTT, p.Glu136Leu (NM_001282549.2); c.1945_1946delinsTT (NM_000465.3); short protein forms E179L, E649L, E198L, E630L, E136L.
Identifiers: ClinVar variation 231243 (VCV000231243.21), dbSNP rs876659046, ClinGen allele CA10577777.